The following is an entry in ClinVar:

NM_001267550.2(TTN):c.47308G>A (p.Val15770Met)

Genes: TTN (titin; minus strand), TTN-AS1 (TTN antisense RNA 1; plus strand). Cytogenetic location: 2q31.2.
Variant type: single nucleotide variant.
Coding change: c.47308G>A on transcript NM_001267550.2 (MANE Select); coding-DNA position 47308, G replaced by A.
Protein change: p.Val15770Met; replaces valine 15770 with methionine.
Molecular consequence: missense variant.
Genome position (GRCh38, 1-based): chr2:178,618,043, C>T on the plus strand (G>A on the coding strand, the complement: TTN is on the minus strand). VCF-style: chr2-178618043-C-T. GRCh37 (hg19) VCF-style: chr2-179482770-C-T.
Other names: c.42385G>A, p.Val14129Met (NM_001256850.1); c.20113G>A, p.Val6705Met (NM_003319.4); c.39604G>A, p.Val13202Met (NM_133378.4); c.20488G>A, p.Val6830Met (NM_133432.3); c.20689G>A, p.Val6897Met (NM_133437.4); short protein forms V13202M, V6705M, V6897M, V14129M, V15770M, V6830M.
Identifiers: ClinVar variation 1784421 (VCV001784421.2), dbSNP rs376192778, ClinGen allele CA60990532.

ClinVar aggregate classification (germline): Uncertain significance (1 of 4 stars; one submission).

Conditions:
Cardiovascular phenotype. Identifiers: MedGen CN230736.

Allele frequency attached by ClinVar (database versions not stated): gnomAD 0.00001; TOPMed 0.00002; ESP Exome Variant Server 0.00008.
gnomAD v4.1: 1 of 1,612,260 alleles (0.000062%); highest among the groups gnomAD compares: African/African-American, 0.0013%; no homozygotes.

Submission:

Ambry Genetics
Classification: Uncertain significance for Cardiovascular phenotype. Last evaluated: 2019-09-26. Review status: criteria provided, single submitter. Criteria: Ambry Variant Classification Scheme 2023. Collection method: clinical testing. Allele origin: germline.
Comment: The p.V6705M variant (also known as c.20113G>A), located in coding exon 80 of the TTN gene, results from a G to A substitution at nucleotide position 20113. The valine at codon 6705 is replaced by methionine, an amino acid with highly similar properties. This amino acid position is well conserved in available vertebrate species. In addition, this alteration is predicted to be tolerated by in silico analysis. Since supporting evidence is limited at this time, the clinical significance of this alteration remains unclear.